The following is an entry in ClinVar:

NM_031475.3(ESPN):c.1432C>T (p.Arg478Cys)

Gene: ESPN (espin; plus strand). Cytogenetic location: 1p36.31.
Variant type: single nucleotide variant.
Coding change: c.1432C>T on transcript NM_031475.3 (MANE Select); coding-DNA position 1432, C replaced by T.
Protein change: p.Arg478Cys; replaces arginine 478 with cysteine.
Molecular consequence: missense variant.
Genome position (GRCh38, 1-based): chr1:6,445,903, C>T. VCF-style: chr1-6445903-C-T. GRCh37 (hg19) VCF-style: chr1-6505963-C-T.
Other names: c.1432C>T, p.Arg478Cys (NM_001367473.1, NM_001367474.1); short protein forms R478C.
Identifiers: ClinVar variation 1049554 (VCV001049554.11), dbSNP rs780655335, ClinGen allele CA560223.
Genomic context (GRCh38, chr1:6,445,903, plus strand): 5'-CCCAAGCCTCCTGTAGGACCACAGGCAGCTGACATCTACATGCAGACCAAGAACAAACTC[C>T]GCCACGTGGAGACAGAGGCCCTCAAGAAGGAGGTAGTGAGCCCTCACCCCCTGCCTGCCT-3'
Protein context (NP_113663.2, residues 468-488): DIYMQTKNKL[Arg478Cys]HVETEALKKE

ClinVar aggregate classification (germline): Uncertain significance. Review status: criteria provided, multiple submitters, no conflicts (2 of 4 stars). 6 submissions from 6 submitters: Uncertain significance (3). 3 of the submissions do not count toward it. Last evaluated 2024-09-02.

Conditions:
Inborn genetic diseases. Identifiers: MedGen C0950123, MeSH D030342.

Allele frequency attached by ClinVar (database versions not stated): ExAC 0.00015; gnomAD exomes 0.00018; TOPMed 0.00021; gnomAD 0.00022 and 0.00023.
gnomAD v4.1: 579 of 1,612,376 alleles (0.036%); highest among the groups gnomAD compares: Non-Finnish European, 0.047%; 1 homozygote.

Submissions (6):

Ambry Genetics
Classification: Uncertain significance for Inborn genetic diseases. Last evaluated: 2024-09-02. Review status: criteria provided, single submitter. Criteria: Ambry Variant Classification Scheme 2023. Collection method: clinical testing. Allele origin: germline.

Blueprint Genetics
Classification: Uncertain significance. Last evaluated: 2024-08-26. Review status: criteria provided, single submitter. Criteria: ACMG Guidelines, 2015. Collection method: clinical testing. Allele origin: germline.

GeneDx
Classification: Uncertain significance. Last evaluated: 2024-04-02. Review status: criteria provided, single submitter. Criteria: GeneDx Variant Classification Process June 2021. Collection method: clinical testing. Allele origin: germline. Affected: yes.
Comment: In silico analysis supports that this missense variant has a deleterious effect on protein structure/function; Has not been previously published as pathogenic or benign to our knowledge

Clinical Genetics DNA and cytogenetics Diagnostics Lab, Erasmus MC, Erasmus Medical Center
Classification: Uncertain significance. Review status: no assertion criteria provided. Collection method: clinical testing. Allele origin: germline. Affected: yes. Study: VKGL Data-share Consensus. Not counted in ClinVar's aggregate classification.

Department of Pathology and Laboratory Medicine, Sinai Health System
Classification: Uncertain significance. Review status: no assertion criteria provided. Collection method: clinical testing. Allele origin: unknown. Affected: yes. Study: The Canadian Open Genetics Repository (COGR). Not counted in ClinVar's aggregate classification.
Comment: The ESPN p.Arg478Cys variant was not identified in the literature nor was it identified in ClinVar. The variant was identified in dbSNP (ID: rs780655335) and in control databases in 55 of 276036 chromosomes at a frequency of 0.0001992 (Genome Aggregation Database March 6, 2019, v2.1.1). The variant was observed in the following populations: European (non-Finnish) in 48 of 124406 chromosomes (freq: 0.000386), Other in 2 of 7080 chromosomes (freq: 0.000283), African in 3 of 23826 chromosomes (freq: 0.000126), South Asian in 1 of 30534 chromosomes (freq: 0.000033) and Latino in 1 of 35304 chromosomes (freq: 0.000028), but was not observed in the Ashkenazi Jewish, East Asian, or European (Finnish) populations. The p.Arg478 residue is conserved in mammals but not in more distantly related organisms, and four out of five computational analyses (PolyPhen-2, SIFT, AlignGVGD, BLOSUM, MutationTaster) suggest that the variant may impact the protein; however, this information is not predictive enough to assume pathogenicity. The variant occurs outside of the splicing consensus sequence and in silico or computational prediction software programs (SpliceSiteFinder, MaxEntScan, NNSPLICE, GeneSplicer) do not predict a difference in splicing. In summary, based on the above information the clinical significance of this variant cannot be determined with certainty at this time. This variant is classified as a variant of uncertain significance.

Joint Genome Diagnostic Labs from Nijmegen and Maastricht, Radboudumc and MUMC+
Classification: Uncertain significance. Review status: no assertion criteria provided. Collection method: clinical testing. Allele origin: germline. Affected: yes. Study: VKGL Data-share Consensus. Not counted in ClinVar's aggregate classification.